The following is an entry in ClinVar:

NM_001368894.2(PAX6):c.566-41T>G

Gene: PAX6 (paired box 6; minus strand). Cytogenetic location: 11p13.
Variant type: single nucleotide variant.
Coding change: c.566-41T>G on transcript NM_001368894.2 (MANE Select); 41 bases into the intron before coding-DNA position 566, T replaced by G.
Molecular consequence: intron variant.
Genome position (GRCh38, 1-based): chr11:31,794,829, A>C on the plus strand (T>G on the coding strand, the complement: PAX6 is on the minus strand). VCF-style: chr11-31794829-A-C. GRCh37 (hg19) VCF-style: chr11-31816377-A-C.
Other names: c.524-41T>G (NM_001127612.3, NM_001368890.2, NM_001368888.2 and 10 more transcripts); c.365-41T>G (NM_001368921.2, NM_001368923.2, NM_001368926.2 and 4 more transcripts); c.566-41T>G (NM_001258462.3, NM_001310158.2, NM_001604.5 and 7 more transcripts); c.641-41T>G (NM_001368919.2, NM_001368918.2); c.767-41T>G (NM_001368910.2); c.116-41T>G (NM_001368909.2, NM_001368904.2, NM_001368905.2 and 11 more transcripts); c.569-41T>G (NM_001368911.2); c.323-41T>G (NM_001368928.2); and 2 more.
Identifiers: ClinVar variation 3758158 (VCV003758158.3).
Genomic context (GRCh38, chr11:31,794,829, plus strand): 5'-TTCCTGTTGCTGGCAGCCATCTGGAACAAAAAGAATAGGATGGTAAGAGAAATTTGGATT[A>C]ACTTGGAGCCTCCAAAAGGGGCCTGGTGTAGTCTTAAACTCCAAGAGCATTATATCCCGA-3'

ClinVar aggregate classification (germline): Likely benign. Review status: criteria provided, multiple submitters, no conflicts (2 of 4 stars). 2 submissions from 2 submitters: Likely benign (2). Last evaluated 2025-12-05.

Conditions:
PAX6-related disorder. Also called: PAX6-related disorders; PAX6-related condition.
Aniridia 1 (AN1). Identifiers: Orphanet 250923, MedGen C0344542, MONDO:0024507, OMIM 106210.
Irido-corneo-trabecular dysgenesis (ASGD5). Also called: ANTERIOR SEGMENT DYSGENESIS 5. Identifiers: Orphanet 708, MedGen C0344559, MONDO:0011414, OMIM 604229, HP:0000659.

gnomAD v4.1: 22 of 1,605,822 alleles (0.0014%); highest among the groups gnomAD compares: Admixed American, 0.0017%; no homozygotes.

Submissions (2):

PreventionGenetics, part of Exact Sciences
Classification: Likely benign for PAX6-related condition. Last evaluated: 2025-12-05. Review status: criteria provided, single submitter. Criteria: ACMG Guidelines, 2015. Collection method: clinical testing. Allele origin: germline.
Comment: This variant is classified as likely benign based on ACMG/AMP sequence variant interpretation guidelines (Richards et al. 2015 PMID: 25741868, with internal and published modifications).

Labcorp Genetics (formerly Invitae), Labcorp
Classification: Likely benign for Aniridia 1; Irido-corneo-trabecular dysgenesis. Last evaluated: 2024-03-11. Review status: criteria provided, single submitter. Criteria: Invitae Variant Classification Sherloc (09022015). Collection method: clinical testing. Allele origin: germline.